The following is an entry in ClinVar:

NM_213653.4(HJV):c.435G>C (p.Pro145=)

Gene: HJV (hemojuvelin BMP co-receptor; minus strand). Cytogenetic location: 1q21.1.
Variant type: single nucleotide variant.
Coding change: c.435G>C on transcript NM_213653.4 (MANE Select); coding-DNA position 435, G replaced by C.
Protein change: p.Pro145=; no amino-acid change (proline 145 retained).
Molecular consequence: synonymous variant. On other transcripts: intron variant (3).
Genome position (GRCh38, 1-based): chr1:146,019,397, C>G on the plus strand (G>C on the coding strand, the complement: HJV is on the minus strand). VCF-style: chr1-146019397-C-G. GRCh37 (hg19) VCF-style: chr1-145415616-G-C.
Other names: c.435G>C, p.Pro145= (NM_001379352.1); c.96G>C, p.Pro32= (NM_145277.5); c.-21-697G>C (NM_213652.4); c.-22+301G>C (NM_202004.4, NM_001316767.2).
Identifiers: ClinVar variation 292425 (VCV000292425.20), dbSNP rs370184725, ClinGen allele CA1053820.

ClinVar aggregate classification (germline): Conflicting classifications of pathogenicity. Review status: criteria provided, conflicting classifications (1 of 4 stars). 4 submissions from 4 submitters: Uncertain significance (1); Likely benign (2). 1 of the submissions does not count toward it. Last evaluated 2026-06-27.

Conditions:
Hemochromatosis type 2A (HFE2A). Also called: Adult-Onset Hemochromatosis; HJV (HFE2)-Related Juvenile Hemochromatosis. Identifiers: Orphanet 79230, MedGen C1865614, MONDO:0011216, OMIM 602390.
HJV-related disorder. Also called: HJV-related condition.

Allele frequency attached by ClinVar (database versions not stated): ESP Exome Variant Server 0.00008; gnomAD exomes 0.00020 and 0.00047; ExAC 0.00021; gnomAD 0.00021 and 0.00023; TOPMed 0.00024.

Submissions (4):

PreventionGenetics, part of Exact Sciences
Classification: Likely benign for HJV-related condition. Last evaluated: 2026-06-27. Review status: criteria provided, single submitter. Criteria: ACMG Guidelines, 2015. Collection method: clinical testing. Allele origin: germline.
Comment: This variant is classified as likely benign based on ACMG/AMP sequence variant interpretation guidelines (Richards et al. 2015 PMID: 25741868, with internal and published modifications).

Labcorp Genetics (formerly Invitae), Labcorp
Classification: Likely benign. Last evaluated: 2026-01-28. Review status: criteria provided, single submitter. Criteria: Invitae Variant Classification Sherloc (09022015). Collection method: clinical testing. Allele origin: germline.

Illumina Laboratory Services, Illumina
Classification: Uncertain significance for Hemochromatosis type 2A. Last evaluated: 2018-01-13. Review status: criteria provided, single submitter. Criteria: ICSL Variant Classification Criteria 13 December 2019. Collection method: clinical testing. Allele origin: germline.

Natera, Inc.
Classification: Likely benign for Hemochromatosis type 2A. Last evaluated: 2020-06-02. Review status: no assertion criteria provided. Collection method: clinical testing. Allele origin: germline. Not counted in ClinVar's aggregate classification.